The following is an entry in ClinVar:

NM_001371727.1(GABRB2):c.238-14dup

Gene: GABRB2 (gamma-aminobutyric acid type A receptor subunit beta2; minus strand). Cytogenetic location: 5q34.
Variant type: Duplication.
Coding change: c.238-14dup on transcript NM_001371727.1 (MANE Select); 14 bases into the intron before coding-DNA position 238, one base duplicated (T; older notation c.238-14dupT).
Molecular consequence: intron variant.
Genome position (GRCh38, 1-based): chr5:161,459,858, A duplicated on the plus strand (T on the coding strand, the reverse complement: GABRB2 is on the minus strand); the first of 9 consecutive A bases (chr5:161,459,858-161,459,866); duplicating any one gives the same sequence. VCF-style (leftmost placement, unchanged base first): chr5-161459857-G-GA. GRCh37 (hg19) VCF-style: chr5-160886863-G-GA.
Other names: c.238-14dupT (NM_021911.2); c.238-14dup (NM_000813.3, NM_021911.3).
Identifiers: ClinVar variation 516642 (VCV000516642.10), dbSNP rs539366743, ClinGen allele CA3543621.
Genomic context (GRCh38, chr5:161,459,857, plus strand): 5'-CCTCTTATCTCTCCAGGCTTGTTGAAAGTACATTGTCAAGGTATAATCCTGTAAATGTGA[G>GA]AAAAAAAAACATGGTTAGTTTACACCCAGACAGATCTGGGGGATAAGCAAACATCTCAGT-3'

ClinVar aggregate classification (germline): Benign/Likely benign. Review status: criteria provided, multiple submitters, no conflicts (2 of 4 stars). 3 submissions from 3 submitters: Benign (1); Likely benign (2). Last evaluated 2026-01-21.

Conditions:
Intellectual disability. Also called: Intellectual developmental disorder; intellectual disabilities; Intellectual functioning disability. Identifiers: MedGen C3714756, MeSH D008607, MONDO:0001071, HP:0001249.

Submissions (3):

Labcorp Genetics (formerly Invitae), Labcorp
Classification: Benign for Intellectual disability. Last evaluated: 2026-01-21. Review status: criteria provided, single submitter. Criteria: Invitae Variant Classification Sherloc (09022015). Collection method: clinical testing. Allele origin: germline.

Blueprint Genetics
Classification: Likely benign. Last evaluated: 2024-11-22. Review status: criteria provided, single submitter. Criteria: ACMG Guidelines, 2015. Collection method: clinical testing. Allele origin: germline.

GeneDx
Classification: Likely benign. Last evaluated: 2017-09-05. Review status: criteria provided, single submitter. Criteria: GeneDx Variant Classification (06012015). Collection method: clinical testing. Allele origin: germline. Affected: yes.
Comment: This variant is considered likely benign or benign based on one or more of the following criteria: it is a conservative change, it occurs at a poorly conserved position in the protein, it is predicted to be benign by multiple in silico algorithms, and/or has population frequency not consistent with disease.